The following is an entry in ClinVar:

ClinVar aggregate classification (germline): Likely benign. Review status: criteria provided, multiple submitters, no conflicts (2 of 4 stars). 2 submissions from 2 submitters: Likely benign (2). Last evaluated 2024-04-01.

Allele frequency attached by ClinVar (database versions not stated): TOPMed below 0.00001.

Submissions (2):

CeGaT Center for Human Genetics Tuebingen
Classification: Likely benign. Last evaluated: 2024-04-01. Review status: criteria provided, single submitter. Criteria: CeGaT Center For Human Genetics Tuebingen Variant Classification Criteria Version 2. Collection method: clinical testing. Allele origin: germline. Affected: yes. Observed: 1 variant allele.
Comment: NEXMIF: PM2:Supporting, BP4, BP7

Labcorp Genetics (formerly Invitae), Labcorp
Classification: Likely benign. Last evaluated: 2020-08-21. Review status: criteria provided, single submitter. Criteria: Invitae Variant Classification Sherloc (09022015). Collection method: clinical testing. Allele origin: germline.

NM_001008537.3(NEXMIF):c.2031A>C (p.Ser677=)

Gene: NEXMIF (neurite extension and migration factor; minus strand). Cytogenetic location: Xq13.3.
Variant type: single nucleotide variant.
Coding change: c.2031A>C on transcript NM_001008537.3 (MANE Select); coding-DNA position 2031, A replaced by C.
Protein change: p.Ser677=; no amino-acid change (serine 677 retained).
Molecular consequence: synonymous variant.
Genome position (GRCh38, 1-based): chrX:74,742,526, T>G on the plus strand (A>C on the coding strand, the complement: NEXMIF is on the minus strand). VCF-style: chrX-74742526-T-G. GRCh37 (hg19) VCF-style: chrX-73962361-T-G.
Identifiers: ClinVar variation 1105391 (VCV001105391.29), dbSNP rs1177238694, ClinGen allele CA517467219.